The following is an entry in ClinVar:

NM_000553.6(WRN):c.2879G>A (p.Gly960Asp)

Gene: WRN (WRN RecQ like helicase; plus strand). Cytogenetic location: 8p12.
Variant type: single nucleotide variant.
Coding change: c.2879G>A on transcript NM_000553.6 (MANE Select); coding-DNA position 2879, G replaced by A.
Protein change: p.Gly960Asp; replaces glycine 960 with aspartic acid.
Molecular consequence: missense variant.
Genome position (GRCh38, 1-based): chr8:31,132,418, G>A. VCF-style: chr8-31132418-G-A. GRCh37 (hg19) VCF-style: chr8-30989934-G-A.
Other names: short protein forms G960D.
Identifiers: ClinVar variation 528126 (VCV000528126.5), dbSNP rs1554530888, ClinGen allele CA370918983.
Genomic context (GRCh38, chr8:31,132,418, plus strand): 5'-TATTTAGATTGGATCATTGCTATTCCATGGATGACTCAGAGGATACATCCTGGGACTTTG[G>A]TCCACAAGCATTTAAGCTTTTGTCTGCTGTGGACATCTTAGGCGAAAAATTTGGAATTGG-3'
Protein context (NP_000544.2, residues 950-970): DDSEDTSWDF[Gly960Asp]PQAFKLLSAV

ClinVar aggregate classification (germline): Uncertain significance (1 of 4 stars; one submission).

Conditions:
Werner syndrome (WRN). Identifiers: Orphanet 902, MedGen C0043119, MONDO:0010196, OMIM 277700.

Submission:

Labcorp Genetics (formerly Invitae), Labcorp
Classification: Uncertain significance for Werner syndrome. Last evaluated: 2024-05-20. Review status: criteria provided, single submitter. Criteria: Invitae Variant Classification Sherloc (09022015). Collection method: clinical testing. Allele origin: germline.
Comment: This sequence change replaces glycine, which is neutral and non-polar, with aspartic acid, which is acidic and polar, at codon 960 of the WRN protein (p.Gly960Asp). This variant is not present in population databases (gnomAD no frequency). This variant has not been reported in the literature in individuals affected with WRN-related conditions. ClinVar contains an entry for this variant (Variation ID: 528126). An algorithm developed to predict the effect of missense changes on protein structure and function (PolyPhen-2) suggests that this variant is likely to be disruptive. In summary, the available evidence is currently insufficient to determine the role of this variant in disease. Therefore, it has been classified as a Variant of Uncertain Significance.